The following is an entry in ClinVar:

ClinVar aggregate classification (germline): Uncertain significance. Review status: criteria provided, multiple submitters, no conflicts (2 of 4 stars). 2 submissions from 2 submitters: Uncertain significance (2). Last evaluated 2021-01-24.

Conditions:
Hereditary cancer-predisposing syndrome. Also called: Neoplastic Syndromes, Hereditary; Tumor predisposition; Hereditary neoplastic syndrome; Hereditary Cancer Syndrome. Identifiers: Orphanet 140162, MedGen C0027672, MeSH D009386, MONDO:0015356.
Oligodontia-cancer predisposition syndrome. Also called: TOOTH AGENESIS-COLORECTAL CANCER SYNDROME. Identifiers: Orphanet 300576, MedGen C1837750, MONDO:0012075, OMIM 608615. Disease mechanism: loss of function.

Submissions (2):

Labcorp Genetics (formerly Invitae), Labcorp
Classification: Uncertain significance for Oligodontia-cancer predisposition syndrome. Last evaluated: 2021-01-24. Review status: criteria provided, single submitter. Criteria: Invitae Variant Classification Sherloc (09022015). Collection method: clinical testing. Allele origin: germline.
Comment: This sequence change replaces glycine with aspartic acid at codon 789 of the AXIN2 protein (p.Gly789Asp). The glycine residue is highly conserved and there is a moderate physicochemical difference between glycine and aspartic acid. This variant is not present in population databases (ExAC no frequency). This variant has not been reported in the literature in individuals with AXIN2-related conditions. Algorithms developed to predict the effect of missense changes on protein structure and function are either unavailable or do not agree on the potential impact of this missense change (SIFT: "Tolerated"; PolyPhen-2: "Probably Damaging"; Align-GVGD: "Class C0"). In summary, the available evidence is currently insufficient to determine the role of this variant in disease. Therefore, it has been classified as a Variant of Uncertain Significance.

Ambry Genetics
Classification: Uncertain significance for Hereditary cancer-predisposing syndrome. Last evaluated: 2021-01-20. Review status: criteria provided, single submitter. Criteria: Ambry Variant Classification Scheme 2023. Collection method: clinical testing. Allele origin: germline.
Comment: The p.G789D variant (also known as c.2366G>A), located in coding exon 9 of the AXIN2 gene, results from a G to A substitution at nucleotide position 2366. The glycine at codon 789 is replaced by aspartic acid, an amino acid with similar properties. This amino acid position is highly conserved in available vertebrate species. In addition, this alteration is predicted to be deleterious by in silico analysis. Since supporting evidence is limited at this time, the clinical significance of this alteration remains unclear.

NM_004655.4(AXIN2):c.2366G>A (p.Gly789Asp)

Gene: AXIN2 (axin 2; minus strand). Cytogenetic location: 17q24.1.
Variant type: single nucleotide variant.
Coding change: c.2366G>A on transcript NM_004655.4 (MANE Select); coding-DNA position 2366, G replaced by A.
Protein change: p.Gly789Asp; replaces glycine 789 with aspartic acid.
Molecular consequence: missense variant.
Genome position (GRCh38, 1-based): chr17:65,533,951, C>T on the plus strand (G>A on the coding strand, the complement: AXIN2 is on the minus strand). VCF-style: chr17-65533951-C-T. GRCh37 (hg19) VCF-style: chr17-63530069-C-T.
Other names: c.2171G>A, p.Gly724Asp (NM_001363813.1); short protein forms G789D, G724D.
Identifiers: ClinVar variation 1366644 (VCV001366644.10), dbSNP rs1060502138, ClinGen allele CA400675405.
Genomic context (GRCh38, chr17:65,533,951, plus strand): 5'-AAAAAGCCACAGGACTCTTACCTATAATTTCCCTTTTTGCTGAGCTGCTCTTTAAAGTGG[C>T]CCAGGGTCAAGCTCTGAGCCTTCAGCATCCTCCGGTATGGAATTTCTTCCCCACAGAAAA-3'
Protein context (NP_004646.3, residues 779-799): RMLKAQSLTL[Gly789Asp]HFKEQLSKKG